The following is an entry in ClinVar:

ClinVar aggregate classification (germline): Uncertain significance. Review status: criteria provided, multiple submitters, no conflicts (2 of 4 stars). 2 submissions from 2 submitters: Uncertain significance (2). Last evaluated 2024-06-24.

Conditions:
Pierson syndrome. Also called: MICROCORIA-CONGENITAL NEPHROTIC SYNDROME. Identifiers: Orphanet 2670, MedGen C1836876, MONDO:0012184, OMIM 609049.
LAMB2-related infantile-onset nephrotic syndrome. Also called: Nephrotic Syndrome, type 5; NEPHROTIC SYNDROME, TYPE 5, WITHOUT OCULAR ABNORMALITIES; NEPHROTIC SYNDROME, TYPE 5, WITH OCULAR ABNORMALITIES. Identifiers: Orphanet 306507, MedGen C3280113, MONDO:0013621, OMIM 614199.
Inborn genetic diseases. Identifiers: MedGen C0950123, MeSH D030342.

Allele frequency attached by ClinVar (database versions not stated): gnomAD exomes 0.00001; TOPMed 0.00001; ExAC 0.00002; ESP Exome Variant Server 0.00008.
gnomAD v4.1: 14 of 1,613,860 alleles (0.00087%); highest among the groups gnomAD compares: East Asian, 0.011%; no homozygotes.

Submissions (2):

Ambry Genetics
Classification: Uncertain significance for Inborn genetic diseases. Last evaluated: 2024-06-24. Review status: criteria provided, single submitter. Criteria: Ambry Variant Classification Scheme 2023. Collection method: clinical testing. Allele origin: germline.

Labcorp Genetics (formerly Invitae), Labcorp
Classification: Uncertain significance for LAMB2-related infantile-onset nephrotic syndrome; Pierson syndrome. Last evaluated: 2022-05-12. Review status: criteria provided, single submitter. Criteria: Invitae Variant Classification Sherloc (09022015). Collection method: clinical testing. Allele origin: germline.
Comment: In summary, the available evidence is currently insufficient to determine the role of this variant in disease. Therefore, it has been classified as a Variant of Uncertain Significance. Algorithms developed to predict the effect of missense changes on protein structure and function are either unavailable or do not agree on the potential impact of this missense change (SIFT: "Deleterious"; PolyPhen-2: "Benign"; Align-GVGD: "Class C0"). This variant has not been reported in the literature in individuals affected with LAMB2-related conditions. This variant is present in population databases (rs370565848, gnomAD 0.01%). This sequence change replaces arginine, which is basic and polar, with glutamine, which is neutral and polar, at codon 475 of the LAMB2 protein (p.Arg475Gln).

NM_002292.4(LAMB2):c.1424G>A (p.Arg475Gln)

Gene: LAMB2 (laminin subunit beta 2; minus strand). Cytogenetic location: 3p21.31.
Variant type: single nucleotide variant.
Coding change: c.1424G>A on transcript NM_002292.4 (MANE Select); coding-DNA position 1424, G replaced by A.
Protein change: p.Arg475Gln; replaces arginine 475 with glutamine.
Molecular consequence: missense variant.
Genome position (GRCh38, 1-based): chr3:49,129,698, C>T on the plus strand (G>A on the coding strand, the complement: LAMB2 is on the minus strand). VCF-style: chr3-49129698-C-T. GRCh37 (hg19) VCF-style: chr3-49167131-C-T.
Other names: c.1424G>A (NM_002292.3); short protein forms R475Q.
Identifiers: ClinVar variation 2183833 (VCV002183833.5), dbSNP rs370565848, ClinGen allele CA2394590.